The following is an entry in ClinVar:

NM_015836.4(WARS2):c.604del (p.Glu202fs)

Gene: WARS2 (tryptophanyl tRNA synthetase 2, mitochondrial; minus strand). Cytogenetic location: 1p12.
Variant type: Deletion.
Coding change: c.604del on transcript NM_015836.4 (MANE Select); coding-DNA position 604, one base deleted (G; older notation c.604delG).
Protein change: p.Glu202fs; shifts the reading frame from glutamic acid 202.
Molecular consequence: frameshift variant.
Genome position (GRCh38, 1-based): chr1:119,034,125, C deleted on the plus strand (G on the coding strand, the reverse complement: WARS2 is on the minus strand); the first of 4 consecutive C bases (chr1:119,034,125-119,034,128); deleting any one gives the same sequence. VCF-style (leftmost placement, unchanged base first): chr1-119034124-TC-T. GRCh37 (hg19) VCF-style: chr1-119576747-TC-T.
Other names: c.535del, p.Glu179fs (NM_001378226.1, NM_001378227.1); c.433del, p.Glu145fs (NM_001378228.1); c.346del, p.Glu116fs (NM_001378229.1); c.322del, p.Glu108fs (NM_001378230.1); c.518del, p.Gly173fs (NM_001378231.1); c.604del, p.Glu202fs (NM_201263.2); c.604delG (NM_015836.4); short protein forms E108fs, E116fs, E145fs, E179fs, E202fs, G173fs.
Identifiers: ClinVar variation 4847080 (VCV004847080.1).

ClinVar aggregate classification (germline): Pathogenic (1 of 4 stars; one submission).

Conditions:
WARS2-related disorder. Also called: WARS2-related disorders; WARS2 related condition.

Submission:

Women's Health and Genetics/Laboratory Corporation of America, LabCorp
Classification: Pathogenic for WARS2-Related Disorders. Last evaluated: 2026-03-19. Review status: criteria provided, single submitter. Criteria: LabCorp Variant Classification Summary - May 2015. Collection method: clinical testing. Allele origin: germline.
Comment: Variant summary: WARS2 c.604delG (p.Glu202SerfsX13) results in a premature termination codon in the last exon and is predicted to cause a truncation of the encoded protein, however, nonsense mediated decay is not expected to occur. The variant was absent in 251460 control chromosomes. To our knowledge, no occurrence of c.604delG in individuals affected with WARS2-related conditions and no experimental evidence demonstrating its impact on protein function have been reported. At least one downstream variant has been classified as pathogenic (c.938A>T, p.Lys313Met) by our lab, providing evidence that the region altered by the variant is critical to protein function. No submitters have cited clinical-significance assessments for this variant to ClinVar. Based on the evidence outlined above, the variant was classified as pathogenic.